The following is an entry in ClinVar:

ClinVar aggregate classification (germline): Uncertain significance. Review status: criteria provided, multiple submitters, no conflicts (2 of 4 stars). 2 submissions from 2 submitters: Uncertain significance (2). Last evaluated 2025-09-02.

Conditions:
Hereditary nonpolyposis colorectal neoplasms. Identifiers: MedGen C0009405, MeSH D003123.
Hereditary cancer-predisposing syndrome. Also called: Hereditary Cancer Syndrome; Tumor predisposition; Hereditary neoplastic syndrome; Neoplastic Syndromes, Hereditary. Identifiers: Orphanet 140162, MedGen C0027672, MeSH D009386, MONDO:0015356.

Submissions (2):

Ambry Genetics
Classification: Uncertain significance for Hereditary cancer-predisposing syndrome. Last evaluated: 2025-09-02. Review status: criteria provided, single submitter. Criteria: Ambry Variant Classification Scheme 2023. Collection method: clinical testing. Allele origin: germline.
Comment: The p.T728I variant (also known as c.2183C>T), located in coding exon 13 of the PMS2 gene, results from a C to T substitution at nucleotide position 2183. The threonine at codon 728 is replaced by isoleucine, an amino acid with similar properties. This amino acid position is conserved. In addition, this alteration is predicted to be tolerated by in silico analysis. Based on the available evidence, the clinical significance of this variant remains unclear.

Labcorp Genetics (formerly Invitae), Labcorp
Classification: Uncertain significance for Hereditary nonpolyposis colorectal neoplasms. Last evaluated: 2020-09-30. Review status: criteria provided, single submitter. Criteria: Invitae Variant Classification Sherloc (09022015). Collection method: clinical testing. Allele origin: germline.
Comment: In summary, the available evidence is currently insufficient to determine the role of this variant in disease. Therefore, it has been classified as a Variant of Uncertain Significance. Advanced modeling of protein sequence and biophysical properties (such as structural, functional, and spatial information, amino acid conservation, physicochemical variation, residue mobility, and thermodynamic stability) performed at Invitae indicates that this missense variant is not expected to disrupt PMS2 protein function. This variant has not been reported in the literature in individuals with PMS2-related conditions. The frequency data for this variant in the population databases (ExAC) is considered unreliable due to the presence of homologous sequence, such as pseudogenes or paralogs, in the genome. This sequence change replaces threonine with isoleucine at codon 728 of the PMS2 protein (p.Thr728Ile). The threonine residue is weakly conserved and there is a moderate physicochemical difference between threonine and isoleucine.

NM_000535.7(PMS2):c.2183C>T (p.Thr728Ile)

Gene: PMS2 (PMS1 homolog 2, mismatch repair system component; minus strand). Cytogenetic location: 7p22.1.
Variant type: single nucleotide variant.
Coding change: c.2183C>T on transcript NM_000535.7 (MANE Select); coding-DNA position 2183, C replaced by T.
Protein change: p.Thr728Ile; replaces threonine 728 with isoleucine.
Molecular consequence: missense variant. On other transcripts: non-coding transcript variant (1).
Genome position (GRCh38, 1-based): chr7:5,978,688, G>A on the plus strand (C>T on the coding strand, the complement: PMS2 is on the minus strand). VCF-style: chr7-5978688-G-A. GRCh37 (hg19) VCF-style: chr7-6018319-G-A.
Other names: c.2183C>T (NM_000535.5); c.1778C>T, p.Thr593Ile (NM_001322003.2, NM_001322004.2, NM_001322005.2 and 1 more transcripts); c.2027C>T, p.Thr676Ile (NM_001322006.2); c.1865C>T, p.Thr622Ile (NM_001322007.2, NM_001322008.2); c.1622C>T, p.Thr541Ile (NM_001322010.2); c.1250C>T, p.Thr417Ile (NM_001322011.2, NM_001322012.2); c.1610C>T, p.Thr537Ile (NM_001322013.2); c.2183C>T, p.Thr728Ile (NM_001322014.2); and 1 more; short protein forms T417I, T728I, T676I, T593I, T622I, T537I, T541I, T625I.
Identifiers: ClinVar variation 1046418 (VCV001046418.9), dbSNP rs1781992282, ClinGen allele CA366736957.